The following is an entry in ClinVar:

NM_003482.4(KMT2D):c.3700G>C (p.Gly1234Arg)

Genes: KMT2D (lysine methyltransferase 2D; minus strand), LOC126861520 (CDK7 strongly-dependent group 2 enhancer GRCh37_chr12:49442744-49443943; plus strand). Cytogenetic location: 12q13.12.
Variant type: single nucleotide variant.
Coding change: c.3700G>C on transcript NM_003482.4 (MANE Select); coding-DNA position 3700, G replaced by C.
Protein change: p.Gly1234Arg; replaces glycine 1234 with arginine.
Molecular consequence: missense variant.
Genome position (GRCh38, 1-based): chr12:49,049,888, C>G on the plus strand (G>C on the coding strand, the complement: KMT2D is on the minus strand). VCF-style: chr12-49049888-C-G. GRCh37 (hg19) VCF-style: chr12-49443671-C-G.
Other names: short protein forms G1234R.
Identifiers: ClinVar variation 1417069 (VCV001417069.8), dbSNP rs773320492, ClinGen allele CA384655755.

ClinVar aggregate classification (germline): Uncertain significance (1 of 4 stars; one submission).

Conditions:
Kabuki syndrome. Also called: NIIKAWA-KUROKI SYNDROME; Kabuki make-up syndrome. Identifiers: Orphanet 2322, MedGen C0796004, MONDO:0016512.

gnomAD v4.1: 16 of 1,613,932 alleles (0.00099%); highest among the groups gnomAD compares: East Asian, 0.011%; no homozygotes.

Submission:

Labcorp Genetics (formerly Invitae), Labcorp
Classification: Uncertain significance for Kabuki syndrome. Last evaluated: 2022-08-09. Review status: criteria provided, single submitter. Criteria: Invitae Variant Classification Sherloc (09022015). Collection method: clinical testing. Allele origin: germline.
Comment: In summary, the available evidence is currently insufficient to determine the role of this variant in disease. Therefore, it has been classified as a Variant of Uncertain Significance. Advanced modeling of protein sequence and biophysical properties (such as structural, functional, and spatial information, amino acid conservation, physicochemical variation, residue mobility, and thermodynamic stability) performed at Invitae indicates that this missense variant is not expected to disrupt KMT2D protein function. ClinVar contains an entry for this variant (Variation ID: 1417069). This variant has not been reported in the literature in individuals affected with KMT2D-related conditions. This variant is present in population databases (no rsID available, gnomAD 0.003%). This sequence change replaces glycine, which is neutral and non-polar, with arginine, which is basic and polar, at codon 1234 of the KMT2D protein (p.Gly1234Arg).